The following is an entry in ClinVar:

NM_003906.5(MCM3AP):c.5043dup (p.Trp1682fs)

Genes: MCM3AP (minichromosome maintenance complex component 3 associated protein; minus strand), MCM3AP-AS1 (MCM3AP antisense RNA 1; plus strand). Cytogenetic location: 21q22.3.
Variant type: Duplication.
Coding change: c.5043dup on transcript NM_003906.5 (MANE Select); coding-DNA position 5043, one base duplicated (C; older notation c.5043dupC).
Protein change: p.Trp1682fs; shifts the reading frame from tryptophan 1682.
Molecular consequence: frameshift variant.
Genome position (GRCh38, 1-based): chr21:46,243,718, G duplicated on the plus strand (C on the coding strand, the reverse complement: MCM3AP is on the minus strand); the first of 5 consecutive G bases (chr21:46,243,718-46,243,722); duplicating any one gives the same sequence. VCF-style (leftmost placement, unchanged base first): chr21-46243717-A-AG. GRCh37 (hg19) VCF-style: chr21-47663631-A-AG.
Other names: short protein forms W1682fs.
Identifiers: ClinVar variation 3664350 (VCV003664350.2).

ClinVar aggregate classification (germline): Pathogenic (1 of 4 stars; one submission).

Submission:

Labcorp Genetics (formerly Invitae), Labcorp
Classification: Pathogenic. Last evaluated: 2024-09-03. Review status: criteria provided, single submitter. Criteria: Invitae Variant Classification Sherloc (09022015). Collection method: clinical testing. Allele origin: germline.
Comment: This sequence change creates a premature translational stop signal (p.Trp1682Leufs*39) in the MCM3AP gene. It is expected to result in an absent or disrupted protein product. Loss-of-function variants in MCM3AP are known to be pathogenic (PMID: 28633435). This variant is not present in population databases (gnomAD no frequency). This variant has not been reported in the literature in individuals affected with MCM3AP-related conditions. For these reasons, this variant has been classified as Pathogenic.

Literature cited by the submitters: PubMed 28633435.